The following is an entry in ClinVar:

ClinVar aggregate classification (germline): Likely benign (1 of 4 stars; one submission).

Submission:

CeGaT Center for Human Genetics Tuebingen
Classification: Likely benign. Last evaluated: 2024-04-01. Review status: criteria provided, single submitter. Criteria: CeGaT Center For Human Genetics Tuebingen Variant Classification Criteria Version 2. Collection method: clinical testing. Allele origin: germline. Affected: yes. Observed: 3 variant alleles.
Comment: MUC4: PM4, BS2

NM_018406.7(MUC4):c.6006_6149del (p.Asp2005_Thr2052del)

Gene: MUC4 (mucin 4, cell surface associated). Cytogenetic location: 3q29.
Variant type: Deletion.
Coding change: c.6006_6149del on transcript NM_018406.7 (MANE Select); coding-DNA positions 6006 to 6149, 144 bases deleted.
Protein change: p.Asp2005_Thr2052del.
Molecular consequence: inframe deletion. On other transcripts: genic upstream transcript variant (2).
Genome position: GRCh38: chr3:195,785,443-195,785,586. GRCh37 (hg19): chr3:195,512,314-195,512,457.
Other names: c.8764_8907del, p.Asp2922_Thr2969del (NM_001322468.1); c.83-11269_83-11126del (NM_138297.5); c.83-7119_83-6976del (NM_004532.6).
Identifiers: ClinVar variation 2654467 (VCV002654467.24), dbSNP rs1560365520, ClinGen allele CA2773245.